The following is an entry in ClinVar:

ClinVar aggregate classification (germline): Uncertain significance. Review status: criteria provided, multiple submitters, no conflicts (2 of 4 stars). 2 submissions from 2 submitters: Uncertain significance (2). Last evaluated 2020-09-26.

Allele frequency attached by ClinVar (database versions not stated): ExAC 0.00001; gnomAD exomes 0.00001; TOPMed 0.00001; gnomAD 0.00002.
gnomAD v4.1: 14 of 1,611,986 alleles (0.00087%); highest among the groups gnomAD compares: African/African-American, 0.004%; no homozygotes.

Submissions (2):

Labcorp Genetics (formerly Invitae), Labcorp
Classification: Uncertain significance. Last evaluated: 2020-09-26. Review status: criteria provided, single submitter. Criteria: Invitae Variant Classification Sherloc (09022015). Collection method: clinical testing. Allele origin: germline.
Comment: In summary, the available evidence is currently insufficient to determine the role of this variant in disease. Therefore, it has been classified as a Variant of Uncertain Significance. Algorithms developed to predict the effect of missense changes on protein structure and function output the following: SIFT: "Deleterious"; PolyPhen-2: "Benign"; Align-GVGD: "Class C0". The alanine amino acid residue is found in multiple mammalian species, suggesting that this missense change does not adversely affect protein function. These predictions have not been confirmed by published functional studies and their clinical significance is uncertain. This variant has not been reported in the literature in individuals with PDE6C-related conditions. This variant is present in population databases (rs765886352, ExAC 0.001%). This sequence change replaces threonine with alanine at codon 438 of the PDE6C protein (p.Thr438Ala). The threonine residue is highly conserved and there is a small physicochemical difference between threonine and alanine.

Blueprint Genetics
Classification: Uncertain significance. Last evaluated: 2018-05-29. Review status: criteria provided, single submitter. Criteria: ACMG Guidelines, 2015. Collection method: clinical testing. Allele origin: germline.

NM_006204.4(PDE6C):c.1312A>G (p.Thr438Ala)

Gene: PDE6C (phosphodiesterase 6C; plus strand). Cytogenetic location: 10q23.33.
Variant type: single nucleotide variant.
Coding change: c.1312A>G on transcript NM_006204.4 (MANE Select); coding-DNA position 1312, A replaced by G.
Protein change: p.Thr438Ala; replaces threonine 438 with alanine.
Molecular consequence: missense variant.
Genome position (GRCh38, 1-based): chr10:93,635,539, A>G. VCF-style: chr10-93635539-A-G. GRCh37 (hg19) VCF-style: chr10-95395296-A-G.
Other names: short protein forms T438A.
Identifiers: ClinVar variation 1059243 (VCV001059243.8), dbSNP rs765886352, ClinGen allele CA5610146.